The following is an entry in ClinVar:

ClinVar aggregate classification (germline): Uncertain significance (1 of 4 stars; one submission).

Conditions:
Fanconi anemia (FA). Also called: Fanconi's anemia. Identifiers: Orphanet 84, MedGen C0015625, MeSH D005199, MONDO:0019391.

gnomAD v4.1: 2 of 1,614,010 alleles (0.00012%); highest among the groups gnomAD compares: Non-Finnish European, 0.00017%; no homozygotes.

Submission:

Labcorp Genetics (formerly Invitae), Labcorp
Classification: Uncertain significance for Fanconi anemia. Last evaluated: 2024-11-22. Review status: criteria provided, single submitter. Criteria: Invitae Variant Classification Sherloc (09022015). Collection method: clinical testing. Allele origin: germline.
Comment: This sequence change replaces serine, which is neutral and polar, with alanine, which is neutral and non-polar, at codon 1188 of the FANCM protein (p.Ser1188Ala). This variant is not present in population databases (gnomAD no frequency). This variant has not been reported in the literature in individuals affected with FANCM-related conditions. An algorithm developed to predict the effect of missense changes on protein structure and function (PolyPhen-2) suggests that this variant is likely to be tolerated. In summary, the available evidence is currently insufficient to determine the role of this variant in disease. Therefore, it has been classified as a Variant of Uncertain Significance.

NM_020937.4(FANCM):c.3562T>G (p.Ser1188Ala)

Gene: FANCM (FA complementation group M; plus strand). Cytogenetic location: 14q21.2.
Variant type: single nucleotide variant.
Coding change: c.3562T>G on transcript NM_020937.4 (MANE Select); coding-DNA position 3562, T replaced by G.
Protein change: p.Ser1188Ala; replaces serine 1188 with alanine.
Molecular consequence: missense variant.
Genome position (GRCh38, 1-based): chr14:45,176,316, T>G. VCF-style: chr14-45176316-T-G. GRCh37 (hg19) VCF-style: chr14-45645519-T-G.
Other names: c.3484T>G, p.Ser1162Ala (NM_001308133.2); short protein forms S1162A, S1188A.
Identifiers: ClinVar variation 3725809 (VCV003725809.2).